The following is an entry in ClinVar:

ClinVar aggregate classification (germline): Benign/Likely benign. Review status: criteria provided, multiple submitters, no conflicts (2 of 4 stars). 2 submissions from 2 submitters: Benign (1); Likely benign (1). Last evaluated 2024-11-07.

Conditions:
Papillary renal cell carcinoma type 1 (RCCP1). Also called: Renal adenocarcinoma; Renal cell carcinoma 1; Renal cell carcinoma, somatic; RENAL CELL CARCINOMA, PAPILLARY, 1, SOMATIC. Identifiers: Orphanet 47044, MedGen C1336839, OMIM 605074, HP:0011797.
Renal cell carcinoma. Identifiers: Orphanet 217071, MedGen C0007134, MeSH D002292, MONDO:0005086, HP:0005584.

Submissions (2):

Myriad Genetics, Inc.
Classification: Likely benign for Papillary renal cell carcinoma type 1. Last evaluated: 2024-11-07. Review status: criteria provided, single submitter. Criteria: Myriad Autosomal Dominant, Autosomal Recessive and X-Linked Classification Criteria (2023). Collection method: clinical testing. Allele origin: unknown.
Comment: This variant is considered likely benign. This variant is intronic and is not expected to impact mRNA splicing.

Labcorp Genetics (formerly Invitae), Labcorp
Classification: Benign for Renal cell carcinoma. Last evaluated: 2024-01-19. Review status: criteria provided, single submitter. Criteria: Invitae Variant Classification Sherloc (09022015). Collection method: clinical testing. Allele origin: germline.

NM_000245.4(MET):c.1528-13del

Gene: MET (MET proto-oncogene, receptor tyrosine kinase; plus strand). Cytogenetic location: 7q31.2.
Variant type: Deletion.
Coding change: c.1528-13del on transcript NM_000245.4 (MANE Select); 13 bases into the intron before coding-DNA position 1528, one base deleted (C; older notation c.1528-13delC).
Molecular consequence: intron variant.
Genome position (GRCh38, 1-based): chr7:116,740,839, C deleted; the last of 4 consecutive C bases (chr7:116,740,836-116,740,839); deleting any one gives the same sequence. VCF-style (leftmost placement, unchanged base first): chr7-116740835-AC-A. GRCh37 (hg19) VCF-style: chr7-116380889-AC-A.
Other names: c.1528-13del (NM_001127500.3, NM_001324401.3); c.238-13del (NM_001324402.2).
Identifiers: ClinVar variation 2710326 (VCV002710326.4), dbSNP rs781735854, ClinGen allele CA2697557592.
Genomic context (GRCh38, chr7:116,740,835, plus strand): 5'-TTTTGTGTACTTACTTTATAATTAATTAACAAACTAGATACCCCTCTGGAAGCTCTTTCC[AC>A]CCCTTCTCTTCACAGATCACGAAGATCCCATTGAATGGCTTGGGCTGCAGACATTTCCAG-3'